The following is an entry in ClinVar:

NM_001042492.3(NF1):c.8378-17G>A

Gene: NF1 (neurofibromin 1; plus strand). Cytogenetic location: 17q11.2.
Variant type: single nucleotide variant.
Coding change: c.8378-17G>A on transcript NM_001042492.3 (MANE Select); 17 bases into the intron before coding-DNA position 8378, G replaced by A.
Molecular consequence: intron variant.
Genome position (GRCh38, 1-based): chr17:31,373,996, G>A. VCF-style: chr17-31373996-G-A. GRCh37 (hg19) VCF-style: chr17-29701014-G-A.
Other names: c.8315-17G>A (NM_000267.4).
Identifiers: ClinVar variation 1665528 (VCV001665528.9), dbSNP rs2151601146, ClinGen allele CA2573153434.

ClinVar aggregate classification (germline): Likely benign. Review status: criteria provided, multiple submitters, no conflicts (2 of 4 stars). 2 submissions from 2 submitters: Likely benign (2). Last evaluated 2026-05-14.

Conditions:
Neurofibromatosis, type 1 (NF1). Also called: VON RECKLINGHAUSEN DISEASE; NEUROFIBROMATOSIS, TYPE I, SOMATIC; Neurofibromatosis, type I; Peripheral type neurofibromatosis. Identifiers: Orphanet 636, MedGen C0027831, MONDO:0018975, OMIM 162200. Disease mechanism: loss of function.

Submissions (2):

Myriad Genetics, Inc.
Classification: Likely benign for Neurofibromatosis, type 1. Last evaluated: 2026-05-14. Review status: criteria provided, single submitter. Criteria: Myriad Autosomal Dominant, Autosomal Recessive and X-Linked Classification Criteria (2023). Collection method: clinical testing. Allele origin: unknown.
Comment: This variant is considered likely benign. This variant is intronic and is not expected to impact mRNA splicing.

Labcorp Genetics (formerly Invitae), Labcorp
Classification: Likely benign for Neurofibromatosis, type 1. Last evaluated: 2025-04-23. Review status: criteria provided, single submitter. Criteria: Invitae Variant Classification Sherloc (09022015). Collection method: clinical testing. Allele origin: germline.